The following is an entry in ClinVar:

NM_001378457.1(DMXL2):c.5093A>G (p.Asn1698Ser)

Gene: DMXL2 (Dmx like 2; minus strand). Cytogenetic location: 15q21.2.
Variant type: single nucleotide variant.
Coding change: c.5093A>G on transcript NM_001378457.1 (MANE Select); coding-DNA position 5093, A replaced by G.
Protein change: p.Asn1698Ser; replaces asparagine 1698 with serine.
Molecular consequence: missense variant. On other transcripts: non-coding transcript variant (2).
Genome position (GRCh38, 1-based): chr15:51,488,078, T>C on the plus strand (A>G on the coding strand, the complement: DMXL2 is on the minus strand). VCF-style: chr15-51488078-T-C. GRCh37 (hg19) VCF-style: chr15-51780275-T-C.
Other names: c.5093A>G, p.Asn1698Ser (NM_001174116.3, NM_001378458.1, NM_001378459.1 and 4 more transcripts); c.3185A>G, p.Asn1062Ser (NM_001174117.3); c.3074A>G, p.Asn1025Ser (NM_001378460.1); c.4853A>G, p.Asn1618Ser (NM_001378464.1); c.5093A>G (NM_001174116.1); short protein forms N1062S, N1698S, N1025S, N1618S.
Identifiers: ClinVar variation 2192055 (VCV002192055.3), dbSNP rs149028181, ClinGen allele CA7561864.

ClinVar aggregate classification (germline): Conflicting classifications of pathogenicity. Review status: criteria provided, conflicting classifications (1 of 4 stars). 3 submissions from 3 submitters: Likely pathogenic (1); Uncertain significance (1); Likely benign (1). Last evaluated 2025-03-12.

Conditions:
Hearing loss, autosomal dominant 71. Also called: DEAFNESS, AUTOSOMAL DOMINANT 71. Identifiers: MedGen C4539881, MONDO:0033258, OMIM 617605.
DMXL2-related disorder. Also called: DMXL2-related condition.

Allele frequency attached by ClinVar (database versions not stated): gnomAD exomes 0.00006; ExAC 0.00010; TOPMed 0.00015; gnomAD 0.00017; ESP Exome Variant Server 0.00023.
gnomAD v4.1: 111 of 1,610,506 alleles (0.0069%); highest among the groups gnomAD compares: Admixed American, 0.029%; 1 homozygote.

Submissions (3):

PreventionGenetics, part of Exact Sciences
Classification: Likely benign for DMXL2-related condition. Last evaluated: 2025-03-12. Review status: criteria provided, single submitter. Criteria: ACMG Guidelines, 2015. Collection method: clinical testing. Allele origin: germline.
Comment: This variant is classified as likely benign based on ACMG/AMP sequence variant interpretation guidelines (Richards et al. 2015 PMID: 25741868, with internal and published modifications).

Laboratory of Prof. Karen Avraham, Tel Aviv University
Classification: Likely pathogenic for Hearing loss, autosomal dominant 71. Last evaluated: 2024-05-07. Review status: criteria provided, single submitter. Criteria: ACMG Guidelines, 2015. Collection method: research. Allele origin: germline. Affected: yes. Observed: 3 variant alleles.
Comment: A rare variant predicted to be deleterious by all prediction programs in a known deafness dominant gene

DFNA71; high tone HL, normal-severe

Labcorp Genetics (formerly Invitae), Labcorp
Classification: Uncertain significance. Last evaluated: 2022-05-24. Review status: criteria provided, single submitter. Criteria: Invitae Variant Classification Sherloc (09022015). Collection method: clinical testing. Allele origin: germline.
Comment: This sequence change replaces asparagine, which is neutral and polar, with serine, which is neutral and polar, at codon 1698 of the DMXL2 protein (p.Asn1698Ser). This variant is present in population databases (rs149028181, gnomAD 0.2%). This variant has not been reported in the literature in individuals affected with DMXL2-related conditions. Algorithms developed to predict the effect of missense changes on protein structure and function are either unavailable or do not agree on the potential impact of this missense change (SIFT: "Deleterious"; PolyPhen-2: "Probably Damaging"; Align-GVGD: "Class C15"). In summary, the available evidence is currently insufficient to determine the role of this variant in disease. Therefore, it has been classified as a Variant of Uncertain Significance.